The following is an entry in ClinVar:

NM_001009944.3(PKD1):c.11103G>C (p.Leu3701=)

Genes: PKD1 (polycystin 1, transient receptor potential channel interacting; minus strand), PKD1-AS1 (PKD1 antisense RNA 1; plus strand). Cytogenetic location: 16p13.3.
Variant type: single nucleotide variant.
Coding change: c.11103G>C on transcript NM_001009944.3 (MANE Select); coding-DNA position 11103, G replaced by C.
Protein change: p.Leu3701=; no amino-acid change (leucine 3701 retained).
Molecular consequence: synonymous variant. On other transcripts: non-coding transcript variant (1).
Genome position (GRCh38, 1-based): chr16:2,093,007, C>G on the plus strand (G>C on the coding strand, the complement: PKD1 is on the minus strand). VCF-style: chr16-2093007-C-G. GRCh37 (hg19) VCF-style: chr16-2143008-C-G.
Other names: c.11100G>C, p.Leu3700= (NM_000296.4).
Identifiers: ClinVar variation 3359339 (VCV003359339.1).

ClinVar aggregate classification (germline): Uncertain significance (1 of 4 stars; one submission).

Submission:

GeneDx
Classification: Uncertain significance. Last evaluated: 2023-05-31. Review status: criteria provided, single submitter. Criteria: GeneDx Variant Classification Process June 2021. Collection method: clinical testing. Allele origin: germline. Affected: yes.
Comment: Not observed at significant frequency in large population cohorts (gnomAD); In silico analysis supports that this variant does not alter splicing; Has not been previously published as pathogenic or benign to our knowledge